The following is an entry in ClinVar:

ClinVar aggregate classification (germline): Uncertain significance. Review status: criteria provided, multiple submitters, no conflicts (2 of 4 stars). 2 submissions from 2 submitters: Uncertain significance (2). Last evaluated 2026-03-11.

Conditions:
Inborn genetic diseases. Identifiers: MedGen C0950123, MeSH D030342.

Allele frequency attached by ClinVar (database versions not stated): gnomAD 0.00002; TOPMed 0.00002; ExAC 0.00003; gnomAD exomes 0.00004.
gnomAD v4.1: 56 of 1,614,076 alleles (0.0035%); highest among the groups gnomAD compares: Non-Finnish European, 0.0044%; no homozygotes.

Submissions (2):

GeneDx
Classification: Uncertain significance. Last evaluated: 2026-03-11. Review status: criteria provided, single submitter. Criteria: GeneDx Variant Classification Process June 2021. Collection method: clinical testing. Allele origin: germline.
Comment: In silico analysis supports that this missense variant has a deleterious effect on protein structure/function; Has not been previously published as pathogenic or benign to our knowledge

Ambry Genetics
Classification: Uncertain significance for Inborn genetic diseases. Last evaluated: 2025-08-22. Review status: criteria provided, single submitter. Criteria: Ambry Variant Classification Scheme 2023. Collection method: clinical testing. Allele origin: germline.

NM_173086.5(KRT6C):c.971A>T (p.Asn324Ile)

Gene: KRT6C (keratin 6C; minus strand). Cytogenetic location: 12q13.13.
Variant type: single nucleotide variant.
Coding change: c.971A>T on transcript NM_173086.5 (MANE Select); coding-DNA position 971, A replaced by T.
Protein change: p.Asn324Ile; replaces asparagine 324 with isoleucine.
Molecular consequence: missense variant.
Genome position (GRCh38, 1-based): chr12:52,471,238, T>A on the plus strand (A>T on the coding strand, the complement: KRT6C is on the minus strand). VCF-style: chr12-52471238-T-A. GRCh37 (hg19) VCF-style: chr12-52865022-T-A.
Other names: short protein forms N324I.
Identifiers: ClinVar variation 2352182 (VCV002352182.4), dbSNP rs756293332, ClinGen allele CA6581320.